The following is an entry in ClinVar:

ClinVar aggregate classification (germline): Uncertain significance. Review status: criteria provided, multiple submitters, no conflicts (2 of 4 stars). 5 submissions from 5 submitters: Uncertain significance (4). 1 of the submissions does not count toward it. Last evaluated 2022-08-31.

Conditions:
Inborn genetic diseases. Identifiers: MedGen C0950123, MeSH D030342.
Retinal dystrophy. Also called: Inherited retinal dystrophy. Identifiers: Orphanet 71862, MedGen C0854723, MeSH D058499, MONDO:0019118, HP:0000556.
Cone-rod synaptic disorder, congenital nonprogressive. Also called: NIGHT BLINDNESS, CONGENITAL STATIONARY, INCOMPLETE, AUTOSOMAL RECESSIVE. Identifiers: Orphanet 215, MedGen C4041558, MONDO:0012490, OMIM 610427.

Allele frequency attached by ClinVar (database versions not stated): ExAC 0.00001; gnomAD exomes 0.00002 and 0.00003; TOPMed 0.00002.
gnomAD v4.1: 15 of 1,610,408 alleles (0.00093%); highest among the groups gnomAD compares: Admixed American, 0.0084%; no homozygotes.

Submissions (5):

Ambry Genetics
Classification: Uncertain significance for Inborn genetic diseases. Last evaluated: 2022-08-31. Review status: criteria provided, single submitter. Criteria: Ambry Variant Classification Scheme 2023. Collection method: clinical testing. Allele origin: germline.

Labcorp Genetics (formerly Invitae), Labcorp
Classification: Uncertain significance. Last evaluated: 2022-08-10. Review status: criteria provided, single submitter. Criteria: Invitae Variant Classification Sherloc (09022015). Collection method: clinical testing. Allele origin: germline.
Comment: In summary, the available evidence is currently insufficient to determine the role of this variant in disease. Therefore, it has been classified as a Variant of Uncertain Significance. Advanced modeling of protein sequence and biophysical properties (such as structural, functional, and spatial information, amino acid conservation, physicochemical variation, residue mobility, and thermodynamic stability) performed at Invitae indicates that this missense variant is not expected to disrupt CABP4 protein function. ClinVar contains an entry for this variant (Variation ID: 879898). This variant has not been reported in the literature in individuals affected with CABP4-related conditions. This variant is present in population databases (rs748865845, gnomAD 0.007%). This sequence change replaces glycine, which is neutral and non-polar, with alanine, which is neutral and non-polar, at codon 77 of the CABP4 protein (p.Gly77Ala).

Blueprint Genetics
Classification: Uncertain significance. Last evaluated: 2022-01-13. Review status: criteria provided, single submitter. Criteria: ACMG Guidelines, 2015. Collection method: clinical testing. Allele origin: germline.

Illumina Laboratory Services, Illumina
Classification: Uncertain significance for Cone-rod synaptic disorder, congenital nonprogressive. Last evaluated: 2018-04-06. Review status: criteria provided, single submitter. Criteria: ICSL Variant Classification Criteria 13 December 2019. Collection method: clinical testing. Allele origin: germline.

Institute of Human Genetics, Univ. Regensburg, Univ. Regensburg
Classification: Uncertain significance for Retinal dystrophy. Last evaluated: 2022-01-01. Review status: no assertion criteria provided. Criteria: ACMG Guidelines, 2015. Collection method: clinical testing. Allele origin: germline. Affected: yes. Not counted in ClinVar's aggregate classification.

NM_145200.5(CABP4):c.230G>C (p.Gly77Ala)

Gene: CABP4 (calcium binding protein 4; plus strand). Cytogenetic location: 11q13.2.
Variant type: single nucleotide variant.
Coding change: c.230G>C on transcript NM_145200.5 (MANE Select); coding-DNA position 230, G replaced by C.
Protein change: p.Gly77Ala; replaces glycine 77 with alanine.
Molecular consequence: missense variant. On other transcripts: 5 prime UTR variant (2), non-coding transcript variant (1), intron variant (1).
Genome position (GRCh38, 1-based): chr11:67,455,653, G>C. VCF-style: chr11-67455653-G-C. GRCh37 (hg19) VCF-style: chr11-67223124-G-C.
Other names: c.-154G>C (NM_001300895.3); c.-168G>C (NM_001379183.1); c.-112-56G>C (NM_001300896.3); short protein forms G77A.
Identifiers: ClinVar variation 879898 (VCV000879898.14), dbSNP rs748865845, ClinGen allele CA6140097.